The following is an entry in ClinVar:

ClinVar aggregate classification (germline): Uncertain significance. Review status: criteria provided, multiple submitters, no conflicts (2 of 4 stars). 2 submissions from 2 submitters: Uncertain significance (2). Last evaluated 2025-05-21.

Conditions:
Hereditary cancer-predisposing syndrome. Also called: Hereditary neoplastic syndrome; Neoplastic Syndromes, Hereditary; Hereditary Cancer Syndrome; Tumor predisposition. Identifiers: Orphanet 140162, MedGen C0027672, MeSH D009386, MONDO:0015356.
Gastrointestinal stromal tumor. Also called: Gastrointestinal stromal tumor, somatic; Gastrointestinal stroma tumor. Identifiers: Orphanet 44890, MedGen C0238198, MeSH D046152, MONDO:0011719, OMIM 606764, HP:0100723.

Submissions (2):

Ambry Genetics
Classification: Uncertain significance for Hereditary cancer-predisposing syndrome. Last evaluated: 2025-05-21. Review status: criteria provided, single submitter. Criteria: Ambry Variant Classification Scheme 2023. Collection method: clinical testing. Allele origin: germline.
Comment: The p.F10S variant (also known as c.29T>C), located in coding exon 1 of the KIT gene, results from a T to C substitution at nucleotide position 29. The phenylalanine at codon 10 is replaced by serine, an amino acid with highly dissimilar properties. This amino acid position is not well conserved in available vertebrate species. In addition, this alteration is predicted to be tolerated by in silico analysis. Based on the available evidence, the clinical significance of this variant remains unclear.

Labcorp Genetics (formerly Invitae), Labcorp
Classification: Uncertain significance for Gastrointestinal stromal tumor. Last evaluated: 2024-02-15. Review status: criteria provided, single submitter. Criteria: Invitae Variant Classification Sherloc (09022015). Collection method: clinical testing. Allele origin: germline.
Comment: This sequence change replaces phenylalanine, which is neutral and non-polar, with serine, which is neutral and polar, at codon 10 of the KIT protein (p.Phe10Ser). This variant is not present in population databases (gnomAD no frequency). This variant has not been reported in the literature in individuals affected with KIT-related conditions. ClinVar contains an entry for this variant (Variation ID: 964768). An algorithm developed to predict the effect of missense changes on protein structure and function (PolyPhen-2) suggests that this variant is likely to be tolerated. In summary, the available evidence is currently insufficient to determine the role of this variant in disease. Therefore, it has been classified as a Variant of Uncertain Significance.

NM_000222.3(KIT):c.29T>C (p.Phe10Ser)

Gene: KIT (KIT proto-oncogene, receptor tyrosine kinase; plus strand). Cytogenetic location: 4q12.
Variant type: single nucleotide variant.
Coding change: c.29T>C on transcript NM_000222.3 (MANE Select); coding-DNA position 29, T replaced by C.
Protein change: p.Phe10Ser; replaces phenylalanine 10 with serine.
Molecular consequence: missense variant.
Genome position (GRCh38, 1-based): chr4:54,658,043, T>C. VCF-style: chr4-54658043-T-C. GRCh37 (hg19) VCF-style: chr4-55524210-T-C.
Other names: c.29T>C, p.Phe10Ser (NM_001093772.2, NM_001385284.1, NM_001385285.1 and 4 more transcripts); short protein forms F10S.
Identifiers: ClinVar variation 964768 (VCV000964768.9), dbSNP rs1716941044, ClinGen allele CA356897921.